The following is an entry in ClinVar:

ClinVar aggregate classification (germline): Uncertain significance (1 of 4 stars; one submission).

gnomAD v4.1: 19 of 1,613,468 alleles (0.0012%); highest among the groups gnomAD compares: African/African-American, 0.0013%; no homozygotes.

Submission:

Labcorp Genetics (formerly Invitae), Labcorp
Classification: Uncertain significance. Last evaluated: 2025-10-17. Review status: criteria provided, single submitter. Criteria: Invitae Variant Classification Sherloc (09022015). Collection method: clinical testing. Allele origin: germline.
Comment: This sequence change replaces arginine, which is basic and polar, with tryptophan, which is neutral and slightly polar, at codon 129 of the CARMIL2 protein (p.Arg129Trp). This variant is present in population databases (rs373568142, gnomAD 0.01%). This variant has not been reported in the literature in individuals affected with CARMIL2-related conditions. Invitae Evidence Modeling of protein sequence and biophysical properties (such as structural, functional, and spatial information, amino acid conservation, physicochemical variation, residue mobility, and thermodynamic stability) indicates that this missense variant is not expected to disrupt CARMIL2 protein function with a negative predictive value of 80%. In summary, the available evidence is currently insufficient to determine the role of this variant in disease. Therefore, it has been classified as a Variant of Uncertain Significance.

NM_001013838.3(CARMIL2):c.385C>T (p.Arg129Trp)

Gene: CARMIL2 (capping protein regulator and myosin 1 linker 2; plus strand). Cytogenetic location: 16q22.1.
Variant type: single nucleotide variant.
Coding change: c.385C>T on transcript NM_001013838.3 (MANE Select); coding-DNA position 385, C replaced by T.
Protein change: p.Arg129Trp; replaces arginine 129 with tryptophan.
Molecular consequence: missense variant.
Genome position (GRCh38, 1-based): chr16:67,646,436, C>T. VCF-style: chr16-67646436-C-T. GRCh37 (hg19) VCF-style: chr16-67680339-C-T.
Other names: c.385C>T, p.Arg129Trp (NM_001317026.3, NM_001438244.1, NM_001438835.1); short protein forms R129W.
Identifiers: ClinVar variation 4777721 (VCV004777721.1).